The following is an entry in ClinVar:

ClinVar aggregate classification (germline): Likely benign (1 of 4 stars; one submission).

Conditions:
Familial cancer of breast. Also called: hereditary breast carcinoma; Hereditary breast cancer; BREAST CANCER, FAMILIAL. Identifiers: Orphanet 227535, MedGen C0346153, MONDO:0016419, OMIM 114480. Disease mechanism: loss of function.

gnomAD v4.1: 1 of 1,596,560 alleles (0.000063%); highest among the groups gnomAD compares: Non-Finnish European, 0.000086%; no homozygotes.

Submission:

Myriad Genetics, Inc.
Classification: Likely benign for Familial cancer of breast. Last evaluated: 2024-08-29. Review status: criteria provided, single submitter. Criteria: Myriad Autosomal Dominant, Autosomal Recessive and X-Linked Classification Criteria (2023). Collection method: clinical testing. Allele origin: unknown.
Comment: This variant is considered likely benign. This variant is intronic and is not expected to impact mRNA splicing.

NM_032043.3(BRIP1):c.1795-20C>T

Gene: BRIP1 (BRCA1 interacting DNA helicase 1; minus strand). Cytogenetic location: 17q23.2.
Variant type: single nucleotide variant.
Coding change: c.1795-20C>T on transcript NM_032043.3 (MANE Select); 20 bases into the intron before coding-DNA position 1795, C replaced by T.
Molecular consequence: intron variant.
Genome position (GRCh38, 1-based): chr17:61,780,421, G>A on the plus strand (C>T on the coding strand, the complement: BRIP1 is on the minus strand). VCF-style: chr17-61780421-G-A. GRCh37 (hg19) VCF-style: chr17-59857782-G-A.
Identifiers: ClinVar variation 3379340 (VCV003379340.1).
Genomic context (GRCh38, chr17:61,780,421, plus strand): 5'-AAAACAATGGTCTGAACTTTGCCATTAATATCTGAAAAGGCCTAAAAGAAAACAACATTA[G>A]ATAAATAAAATTATCTTTAGAAGAGGCTGGGCAAAGTGGCTCACACCTGTAATCCCAGCA-3'